The following is an entry in ClinVar:

NM_001378454.1(ALMS1):c.2301A>G (p.Arg767=)

Gene: ALMS1 (ALMS1 centrosome and basal body associated protein; plus strand). Cytogenetic location: 2p13.1.
Variant type: single nucleotide variant.
Coding change: c.2301A>G on transcript NM_001378454.1 (MANE Select); coding-DNA position 2301, A replaced by G.
Protein change: p.Arg767=; no amino-acid change (arginine 767 retained).
Molecular consequence: synonymous variant.
Genome position (GRCh38, 1-based): chr2:73,448,828, A>G. VCF-style: chr2-73448828-A-G. GRCh37 (hg19) VCF-style: chr2-73675955-A-G.
Other names: c.2304A>G, p.Arg768= (NM_015120.4).
Identifiers: ClinVar variation 2626207 (VCV002626207.24), dbSNP rs1271740449, ClinGen allele CA427019600.
Genomic context (GRCh38, chr2:73,448,828, plus strand): 5'-TGGACCAGCTGACCAGAAGACTGAGATACCAGCAGTACAGTCTAGTTCTTACTCACAAAG[A>G]GAAAAGCCTAGTATTTTGTACCCACAGGACTTAGCAGACAGTCATCTACCTGAAGAGGGT-3'
Protein context (NP_001365383.1, residues 757-777): PAVQSSSYSQ[Arg767=]EKPSILYPQD

ClinVar aggregate classification (germline): Likely benign. Review status: criteria provided, multiple submitters, no conflicts (2 of 4 stars). 2 submissions from 2 submitters: Likely benign (2). Last evaluated 2026-08-01.

Conditions:
Cardiovascular phenotype. Identifiers: MedGen CN230736.

Submissions (2):

CeGaT Center for Human Genetics Tuebingen
Classification: Likely benign. Last evaluated: 2026-08-01. Review status: criteria provided, single submitter. Criteria: CeGaT Center For Human Genetics Tuebingen Variant Classification Criteria Version 2. Collection method: clinical testing. Allele origin: germline. Affected: yes. Observed: 2 variant alleles.
Comment: ALMS1: BP4, BP7

Ambry Genetics
Classification: Likely benign for Cardiovascular phenotype. Last evaluated: 2023-09-01. Review status: criteria provided, single submitter. Criteria: Ambry Variant Classification Scheme 2023. Collection method: clinical testing. Allele origin: germline.